The following is an entry in ClinVar:

NM_001160372.4(TRAPPC9):c.292A>G (p.Lys98Glu)

Gene: TRAPPC9 (trafficking protein particle complex subunit 9; minus strand). Cytogenetic location: 8q24.3.
Variant type: single nucleotide variant.
Coding change: c.292A>G on transcript NM_001160372.4 (MANE Select); coding-DNA position 292, A replaced by G.
Protein change: p.Lys98Glu; replaces lysine 98 with glutamic acid.
Molecular consequence: missense variant. On other transcripts: non-coding transcript variant (1).
Genome position (GRCh38, 1-based): chr8:140,451,082, T>C on the plus strand (A>G on the coding strand, the complement: TRAPPC9 is on the minus strand). VCF-style: chr8-140451082-T-C. GRCh37 (hg19) VCF-style: chr8-141461181-T-C.
Other names: c.292A>G, p.Lys98Glu (NM_001374684.1, NM_031466.8, NM_001321646.2 and 2 more transcripts); c.586A>G (NM_031466.5); short protein forms K98E.
Identifiers: ClinVar variation 1060600 (VCV001060600.12), dbSNP rs745462282, ClinGen allele CA4893760.

ClinVar aggregate classification (germline): Uncertain significance. Review status: criteria provided, multiple submitters, no conflicts (2 of 4 stars). 3 submissions from 3 submitters: Uncertain significance (3). Last evaluated 2025-03-20.

Conditions:
Intellectual developmental disorder, autosomal recessive 13. Also called: Intellectual disability, autosomal recessive 13. Identifiers: Orphanet 88616, MedGen C2750791, MONDO:0013173, OMIM 613192.
Inborn genetic diseases. Identifiers: MedGen C0950123, MeSH D030342.

Allele frequency attached by ClinVar (database versions not stated): gnomAD exomes 0.00001 and 0.00002; TOPMed below 0.00001; ExAC 0.00001; gnomAD 0.00001.
gnomAD v4.1: 13 of 1,613,866 alleles (0.00081%); highest among the groups gnomAD compares: Admixed American, 0.0067%; no homozygotes.

Submissions (3):

Dasa
Classification: Uncertain significance for Intellectual developmental disorder, autosomal recessive 13. Last evaluated: 2025-03-20. Review status: criteria provided, single submitter. Criteria: DASA Assertion Criteria. Collection method: clinical testing. Allele origin: germline.
Comment: NM_001160372.4(TRAPPC9):c.292A>G (p.Lys98Glu) is a missense variant that results in the substitution of lysine with glutamic acid. This variant is rare in population databases. Computational prediction algorithms are consistent with a benign effect. The currently available literature and clinical evidence are not sufficient to establish a definitive association between this variant and the reported condition. Therefore, this variant is classified as a variant of uncertain significance.

Ambry Genetics
Classification: Uncertain significance for Inborn genetic diseases. Last evaluated: 2025-02-14. Review status: criteria provided, single submitter. Criteria: Ambry Variant Classification Scheme 2023. Collection method: clinical testing. Allele origin: germline.

Labcorp Genetics (formerly Invitae), Labcorp
Classification: Uncertain significance. Last evaluated: 2023-08-04. Review status: criteria provided, single submitter. Criteria: Invitae Variant Classification Sherloc (09022015). Collection method: clinical testing. Allele origin: germline.
Comment: In summary, the available evidence is currently insufficient to determine the role of this variant in disease. Therefore, it has been classified as a Variant of Uncertain Significance. An algorithm developed to predict the effect of missense changes on protein structure and function (PolyPhen-2) suggests that this variant is likely to be disruptive. ClinVar contains an entry for this variant (Variation ID: 1060600). This variant has not been reported in the literature in individuals affected with TRAPPC9-related conditions. This variant is present in population databases (rs745462282, gnomAD 0.01%). This sequence change replaces lysine, which is basic and polar, with glutamic acid, which is acidic and polar, at codon 196 of the TRAPPC9 protein (p.Lys196Glu).